The following is an entry in ClinVar:

NM_001352514.2(HLCS):c.2121+1G>A

Gene: HLCS (holocarboxylase synthetase; minus strand). Cytogenetic location: 21q22.13.
Variant type: single nucleotide variant.
Coding change: c.2121+1G>A on transcript NM_001352514.2 (MANE Select); the canonical splice donor site of the intron after coding-DNA position 2121, G replaced by A.
Molecular consequence: splice donor variant.
Genome position (GRCh38, 1-based): chr21:36,765,011, C>T on the plus strand (G>A on the coding strand, the complement: HLCS is on the minus strand). VCF-style: chr21-36765011-C-T. GRCh37 (hg19) VCF-style: chr21-38137312-C-T.
Other names: c.1680+1G>A (NM_001352517.1, NM_001242785.2, NM_001352515.2 and 5 more transcripts).
Identifiers: ClinVar variation 550091 (VCV000550091.24), dbSNP rs1175936807, ClinGen allele CA409920534.
Genomic context (GRCh38, chr21:36,765,011, plus strand): 5'-AAGAATAAGCCAGATTCTGCATGCATCCCAGGGACATAGAAGGAGACTGAACTGTACCTA[C>T]CTGATACTCGGGAATGGACCTCACTGCTTCCACGACAGCCACGGACATCAGATGCTGGAC-3'

ClinVar aggregate classification (germline): Pathogenic/Likely pathogenic. Review status: criteria provided, multiple submitters, no conflicts (2 of 4 stars). 5 submissions from 5 submitters: Pathogenic (1); Likely pathogenic (3). 1 of the submissions does not count toward it. Last evaluated 2024-06-13.

Conditions:
Holocarboxylase synthetase deficiency. Also called: MULTIPLE CARBOXYLASE DEFICIENCY, EARLY ONSET. Identifiers: Orphanet 79242, MedGen C0268581, MONDO:0009666, OMIM 253270.

Allele frequency attached by ClinVar (database versions not stated): gnomAD exomes 0.00001; TOPMed 0.00001; gnomAD 0.00003.
gnomAD v4.1: 5 of 1,614,212 alleles (0.00031%); highest among the groups gnomAD compares: East Asian, 0.0022%; no homozygotes.

Submissions (5):

Natera, Inc.
Classification: Likely pathogenic for Holocarboxylase synthetase deficiency. Last evaluated: 2024-06-13. Review status: criteria provided, single submitter. Criteria: Natera Variant Classification Schema (03/2026). Collection method: clinical testing. Allele origin: germline.
Comment: The c.1680+1G>A variant in HLCS is a canonical splice donor site variant predicted to affect pre-mRNA splicing, which may result in an abnormal transcript and altered protein product. This variant is expected to result in nonsense mediated decay, truncation, or a dysfunctional protein product. This variant is rare in the general population with a frequency below the threshold expected for the associated phenotype(s). Given the available evidence, this variant is classified as Likely Pathogenic.

Labcorp Genetics (formerly Invitae), Labcorp
Classification: Pathogenic for Holocarboxylase synthetase deficiency. Last evaluated: 2024-02-09. Review status: criteria provided, single submitter. Criteria: Invitae Variant Classification Sherloc (09022015). Collection method: clinical testing. Allele origin: germline.
Comment: This sequence change affects a donor splice site in intron 9 of the HLCS gene. It is expected to disrupt RNA splicing. Variants that disrupt the donor or acceptor splice site typically lead to a loss of protein function (PMID: 16199547), and loss-of-function variants in HLCS are known to be pathogenic (PMID: 16134170). This variant is present in population databases (no rsID available, gnomAD 0.007%). Disruption of this splice site has been observed in individuals with holocarboxylase synthetase deficiency (PMID: 21615476; Invitae). This variant is also known as IVS9+1G>A. ClinVar contains an entry for this variant (Variation ID: 550091). Algorithms developed to predict the effect of sequence changes on RNA splicing suggest that this variant may disrupt the consensus splice site. For these reasons, this variant has been classified as Pathogenic.

Fulgent Genetics
Classification: Likely pathogenic for Holocarboxylase synthetase deficiency. Last evaluated: 2024-01-23. Review status: criteria provided, single submitter. Criteria: ACMG Guidelines, 2015. Collection method: clinical testing. Allele origin: germline.

Women's Health and Genetics/Laboratory Corporation of America, LabCorp
Classification: Likely pathogenic for Holocarboxylase synthetase deficiency. Last evaluated: 2023-03-30. Review status: criteria provided, single submitter. Criteria: LabCorp Variant Classification Summary - May 2015. Collection method: clinical testing. Allele origin: germline.
Comment: Variant summary: HLCS c.1680+1G>A is located in a canonical splice-site and is predicted to affect mRNA splicing resulting in a significantly altered protein due to either exon skipping, shortening, or inclusion of intronic material. Several computational tools predict a significant impact on normal splicing: four predict the variant abolishes a 5' splicing donor site, and two predict the variant strengthens a cryptic 5' donor site four nucleotides downstream, potentially leading to a frameshift. However, these predictions have yet to be confirmed by functional studies. The variant was absent in 251480 control chromosomes. c.1680+1G>A has been reported in the literature in at least one individual affected with Holocarboxylase Synthetase Deficiency (Esparza_2011). These data do not allow clear conclusions about variant significance. To our knowledge, no experimental evidence demonstrating an impact on protein function has been reported. Four ClinVar submitters (evaluation after 2014) have cited the variant with conflicting assessments: three submitters cite the variant as likely pathogenic, and one submitter cites the variant as uncertain significance. Based on the evidence outlined above, the variant was classified as likely pathogenic.

Counsyl
Classification: Likely pathogenic for Holocarboxylase synthetase deficiency. Last evaluated: 2016-12-28. Review status: no assertion criteria provided. Collection method: clinical testing. Allele origin: unknown. Not counted in ClinVar's aggregate classification.

Literature cited by the submitters: PubMed 16199547 (cited by Labcorp Genetics (formerly Invitae), Labcorp); PubMed 16134170 (cited by Labcorp Genetics (formerly Invitae), Labcorp); PubMed 21615476 (cited by Labcorp Genetics (formerly Invitae), Labcorp and Women's Health and Genetics/Laboratory Corporation of America, LabCorp).